The following is an entry in ClinVar:

NM_001018005.2(TPM1):c.526C>G (p.Leu176Val)

Gene: TPM1 (tropomyosin 1; plus strand). Cytogenetic location: 15q22.2.
Variant type: single nucleotide variant.
Coding change: c.526C>G on transcript NM_001018005.2 (MANE Select); coding-DNA position 526, C replaced by G.
Protein change: p.Leu176Val; replaces leucine 176 with valine.
Molecular consequence: missense variant.
Genome position (GRCh38, 1-based): chr15:63,060,902, C>G. VCF-style: chr15-63060902-C-G. GRCh37 (hg19) VCF-style: chr15-63353101-C-G.
Other names: c.526C>G, p.Leu176Val (NM_000366.6, NM_001018004.2, NM_001018006.2 and 20 more transcripts); c.418C>G, p.Leu140Val (NM_001018008.2, NM_001301289.2, NM_001330344.2 and 9 more transcripts); c.652C>G, p.Leu218Val (NM_001365778.1, NM_001407322.1, NM_001407323.1 and 1 more transcripts); short protein forms L140V, L176V, L218V.
Identifiers: ClinVar variation 2116762 (VCV002116762.4), dbSNP rs2542806377, ClinGen allele CA392723183.

ClinVar aggregate classification (germline): Uncertain significance (1 of 4 stars; one submission).

Conditions:
Hypertrophic cardiomyopathy. Also called: HYPERTROPHIC MYOCARDIOPATHY. Identifiers: Orphanet 217569, MedGen C0007194, MeSH D002312, MONDO:0005045, HP:0001639.

Allele frequency attached by ClinVar (database versions not stated): gnomAD exomes below 0.00001.
gnomAD v4.1: 1 of 1,614,184 alleles (0.000062%); highest among the groups gnomAD compares: Non-Finnish European, 0.000085%; no homozygotes.

Submission:

Labcorp Genetics (formerly Invitae), Labcorp
Classification: Uncertain significance for Hypertrophic cardiomyopathy. Last evaluated: 2022-04-10. Review status: criteria provided, single submitter. Criteria: Invitae Variant Classification Sherloc (09022015). Collection method: clinical testing. Allele origin: germline.
Comment: This sequence change replaces leucine, which is neutral and non-polar, with valine, which is neutral and non-polar, at codon 176 of the TPM1 protein (p.Leu176Val). This variant is not present in population databases (gnomAD no frequency). This variant has not been reported in the literature in individuals affected with TPM1-related conditions. Algorithms developed to predict the effect of missense changes on protein structure and function are either unavailable or do not agree on the potential impact of this missense change (SIFT: "Deleterious"; PolyPhen-2: "Probably Damaging"; Align-GVGD: "Class C0"). In summary, the available evidence is currently insufficient to determine the role of this variant in disease. Therefore, it has been classified as a Variant of Uncertain Significance.